The following is an entry in ClinVar:

ClinVar aggregate classification (germline): Uncertain significance (1 of 4 stars; one submission).

Conditions:
Arrhythmogenic right ventricular dysplasia 9 (ARVD9). Also called: ARRHYTHMOGENIC RIGHT VENTRICULAR DYSPLASIA, FAMILIAL, 9; Arrhythmogenic Right Ventricular Dysplasia/Cardiomyopathy 9. Identifiers: MedGen C1836906, MONDO:0012180, OMIM 609040.

Submission:

Labcorp Genetics (formerly Invitae), Labcorp
Classification: Uncertain significance for Arrhythmogenic right ventricular dysplasia 9. Last evaluated: 2024-05-22. Review status: criteria provided, single submitter. Criteria: Invitae Variant Classification Sherloc (09022015). Collection method: clinical testing. Allele origin: germline.
Comment: This sequence change replaces arginine, which is basic and polar, with leucine, which is neutral and non-polar, at codon 185 of the PKP2 protein (p.Arg185Leu). This variant is not present in population databases (gnomAD no frequency). This variant has not been reported in the literature in individuals affected with PKP2-related conditions. An algorithm developed to predict the effect of missense changes on protein structure and function (PolyPhen-2) suggests that this variant is likely to be disruptive. In summary, the available evidence is currently insufficient to determine the role of this variant in disease. Therefore, it has been classified as a Variant of Uncertain Significance.

NM_001005242.3(PKP2):c.554G>T (p.Arg185Leu)

Gene: PKP2 (plakophilin 2; minus strand). Cytogenetic location: 12p11.21.
Variant type: single nucleotide variant.
Coding change: c.554G>T on transcript NM_001005242.3 (MANE Select); coding-DNA position 554, G replaced by T.
Protein change: p.Arg185Leu; replaces arginine 185 with leucine.
Molecular consequence: missense variant.
Genome position (GRCh38, 1-based): chr12:32,878,326, C>A on the plus strand (G>T on the coding strand, the complement: PKP2 is on the minus strand). VCF-style: chr12-32878326-C-A. GRCh37 (hg19) VCF-style: chr12-33031260-C-A.
Other names: c.554G>T, p.Arg185Leu (NM_001407155.1, NM_001407156.1, NM_001407157.1 and 2 more transcripts); c.227G>T, p.Arg76Leu (NM_001407158.1, NM_001407159.1, NM_001407160.1 and 1 more transcripts); short protein forms R185L, R76L.
Identifiers: ClinVar variation 3654250 (VCV003654250.2).